The following is an entry in ClinVar:

ClinVar aggregate classification (germline): Pathogenic (1 of 4 stars; one submission).

Conditions:
ALG1-congenital disorder of glycosylation. Also called: CONGENITAL DISORDER OF GLYCOSYLATION, TYPE Ik; CDG Ik; ALG1-CDG. Identifiers: Orphanet 79327, MedGen C2931005, MONDO:0012052, OMIM 608540.

Submission:

Labcorp Genetics (formerly Invitae), Labcorp
Classification: Pathogenic for ALG1-congenital disorder of glycosylation. Last evaluated: 2025-03-22. Review status: criteria provided, single submitter. Criteria: Invitae Variant Classification Sherloc (09022015). Collection method: clinical testing. Allele origin: germline.
Comment: This sequence change creates a premature translational stop signal (p.Leu237Argfs*34) in the ALG1 gene. It is expected to result in an absent or disrupted protein product. Loss-of-function variants in ALG1 are known to be pathogenic (PMID: 20679665, 23806237). This variant is not present in population databases (gnomAD no frequency). This variant has not been reported in the literature in individuals affected with ALG1-related conditions. ClinVar contains an entry for this variant (Variation ID: 2095499). For these reasons, this variant has been classified as Pathogenic.

Literature cited by the submitters: PubMed 20679665; PubMed 23806237.

NM_019109.5(ALG1):c.710del (p.Leu237fs)

Gene: ALG1 (ALG1 chitobiosyldiphosphodolichol beta-mannosyltransferase; plus strand). Cytogenetic location: 16p13.3.
Variant type: Deletion.
Coding change: c.710del on transcript NM_019109.5 (MANE Select); coding-DNA position 710, one base deleted (T; older notation c.710delT).
Protein change: p.Leu237fs; shifts the reading frame from leucine 237.
Molecular consequence: frameshift variant.
Genome position (GRCh38, 1-based): chr16:5,077,987, T deleted. VCF-style (leftmost placement, unchanged base first): chr16-5077986-CT-C. GRCh37 (hg19) VCF-style: chr16-5127987-CT-C.
Other names: c.377del, p.Leu126fs (NM_001330504.2); short protein forms L126fs, L237fs.
Identifiers: ClinVar variation 2095499 (VCV002095499.4), dbSNP rs1824931248, ClinGen allele CA2203698208.
Genomic context (GRCh38, chr16:5,077,986, plus strand): 5'-AAGCCCGCATCTTTCTTTAAAGAGACACCTCTGGACCTGCAGCACCGGCTCTTCATGAAG[CT>C]GGGCAGCATGCACTCTCCGTTCAGGGCCCGGTAGGCCTCCCATCCTCAGCTGCCTTCTCT-3'